The following is an entry in ClinVar:

NM_012434.5(SLC17A5):c.494T>C (p.Ile165Thr)

Gene: SLC17A5 (solute carrier family 17 member 5; minus strand). Cytogenetic location: 6q13.
Variant type: single nucleotide variant.
Coding change: c.494T>C on transcript NM_012434.5 (MANE Select); coding-DNA position 494, T replaced by C.
Protein change: p.Ile165Thr; replaces isoleucine 165 with threonine.
Molecular consequence: missense variant.
Genome position (GRCh38, 1-based): chr6:73,641,722, A>G on the plus strand (T>C on the coding strand, the complement: SLC17A5 is on the minus strand). VCF-style: chr6-73641722-A-G. GRCh37 (hg19) VCF-style: chr6-74351445-A-G.
Other names: c.263T>C, p.Ile88Thr (NM_001382629.1, NM_001382636.1); c.494T>C, p.Ile165Thr (NM_001382630.1, NM_001382632.1, NM_001382633.1 and 2 more transcripts); c.515T>C, p.Ile172Thr (NM_001382631.1); short protein forms I165T, I172T, I88T.
Identifiers: ClinVar variation 2198443 (VCV002198443.1), dbSNP rs767100319, ClinGen allele CA364717919.

ClinVar aggregate classification (germline): Uncertain significance (1 of 4 stars; one submission).

Conditions:
Salla disease (SD). Also called: Sialuria, Finnish type; N-acetylneuraminic acid (NANA) storage disease (NSD); Infantile sialic acid storage disorder (ISSD); Less Severe FSASD (Salla Disease). Identifiers: Orphanet 309334, Orphanet 834, MedGen C1096903, MONDO:0011449, OMIM 604369.

Allele frequency attached by ClinVar (database versions not stated): gnomAD 0.00001; TOPMed 0.00006.
gnomAD v4.1: 8 of 1,613,968 alleles (0.0005%); highest among the groups gnomAD compares: Admixed American, 0.012%; no homozygotes.

Submission:

Labcorp Genetics (formerly Invitae), Labcorp
Classification: Uncertain significance for Salla disease. Last evaluated: 2022-02-04. Review status: criteria provided, single submitter. Criteria: Invitae Variant Classification Sherloc (09022015). Collection method: clinical testing. Allele origin: germline.
Comment: This sequence change replaces isoleucine, which is neutral and non-polar, with threonine, which is neutral and polar, at codon 165 of the SLC17A5 protein (p.Ile165Thr). This variant is present in population databases (no rsID available, gnomAD 0.007%). This variant has not been reported in the literature in individuals affected with SLC17A5-related conditions. Algorithms developed to predict the effect of missense changes on protein structure and function are either unavailable or do not agree on the potential impact of this missense change (SIFT: "Deleterious"; PolyPhen-2: "Possibly Damaging"; Align-GVGD: "Class C15"). In summary, the available evidence is currently insufficient to determine the role of this variant in disease. Therefore, it has been classified as a Variant of Uncertain Significance.